The following is an entry in ClinVar:

NM_007294.4(BRCA1):c.4592TTG[1] (p.Val1532del)

Gene: BRCA1 (BRCA1 DNA repair associated; minus strand). Cytogenetic location: 17q21.31.
Variant type: Microsatellite.
Coding change: c.4592TTG[1] on transcript NM_007294.4 (MANE Select); one copy of the 3-base unit TTG starting at c.4592; the reference has two copies in a row; one copy, 3 bases deleted.
Protein change: p.Val1532del; deletes valine 1532.
Molecular consequence: inframe deletion. On other transcripts: inframe indel (363), non-coding transcript variant (1).
Genome position (GRCh38, 1-based): chr17:43,074,409-43,074,411, CAA deleted on the plus strand (TTG on the coding strand, the reverse complement: BRCA1 is on the minus strand); deleting any 3 consecutive bases within chr17:43,074,409-43,074,415 gives the same sequence; the position shown is the placement nearest the transcript's 3' end. VCF-style (leftmost placement, unchanged base first): chr17-43074408-TCAA-T. GRCh37 (hg19) VCF-style: chr17-41226425-TCAA-T.
Other names: c.4324_4326GTT[1], p.Val1443del (NM_001407930.1, NM_001407931.1, NM_001407932.1 and 4 more transcripts); c.4321_4323GTT[1], p.Val1442del (NM_001407934.1, NM_001407935.1, NM_001407936.1); c.4468_4470GTT[1], p.Val1491del (NM_001407937.1, NM_001407938.1, NM_001407664.1 and 6 more transcripts); c.4447_4449GTT[1], p.Val1484del (NM_001407944.1, NM_001407945.1, NM_001407943.1 and 21 more transcripts); c.4258_4260GTT[1], p.Val1421del (NM_001407946.1, NM_001407947.1, NM_001407948.1 and 1 more transcripts); c.4255_4257GTT[1], p.Val1420del (NM_001407950.1, NM_001407951.1, NM_001407952.1 and 3 more transcripts); c.4252_4254GTT[1], p.Val1419del (NM_001407956.1, NM_001407957.1, NM_001407958.1); c.4462_4464GTT[1], p.Val1489del (NM_001407941.1, NM_001407681.1, NM_001407682.1 and 6 more transcripts); and 72 more; short protein forms V1485del, V1532del, V1553del, V428del, V1363del, V1405del, V1421del, V1442del.
Identifiers: ClinVar variation 1057309 (VCV001057309.12), dbSNP rs2154003771, ClinGen allele CA2580612638.

ClinVar aggregate classification (germline): Uncertain significance. Review status: criteria provided, multiple submitters, no conflicts (2 of 4 stars). 2 submissions from 2 submitters: Uncertain significance (2). Last evaluated 2023-03-20.

Conditions:
Hereditary cancer-predisposing syndrome. Also called: Hereditary Cancer Syndrome; Tumor predisposition; Hereditary neoplastic syndrome; Neoplastic Syndromes, Hereditary. Identifiers: Orphanet 140162, MedGen C0027672, MeSH D009386, MONDO:0015356.
Hereditary breast ovarian cancer syndrome. Also called: Hereditary breast and/or ovarian cancer syndrome; Hereditary breast and ovarian cancer syndrome; Hereditary breast and ovarian cancer syndrome (HBOC); Breast and ovarian cancer; Hereditary breast and ovarian cancer; BRCA1- and BRCA2-Associated Hereditary Breast and Ovarian Cancer. Identifiers: Orphanet 145, MedGen C0677776, MeSH D061325, MONDO:0003582. Disease mechanism: loss of function.

Submissions (2):

Labcorp Genetics (formerly Invitae), Labcorp
Classification: Uncertain significance for Hereditary breast ovarian cancer syndrome. Last evaluated: 2023-03-20. Review status: criteria provided, single submitter. Criteria: Invitae Variant Classification Sherloc (09022015). Collection method: clinical testing. Allele origin: germline.
Comment: This variant, c.4595_4597del, results in the deletion of 1 amino acid(s) of the BRCA1 protein (p.Val1532del), but otherwise preserves the integrity of the reading frame. This variant is not present in population databases (gnomAD no frequency). This variant has not been reported in the literature in individuals affected with BRCA1-related conditions. ClinVar contains an entry for this variant (Variation ID: 1057309). Experimental studies and prediction algorithms are not available or were not evaluated, and the functional significance of this variant is currently unknown. In summary, the available evidence is currently insufficient to determine the role of this variant in disease. Therefore, it has been classified as a Variant of Uncertain Significance.

Ambry Genetics
Classification: Uncertain significance for Hereditary cancer-predisposing syndrome. Last evaluated: 2020-01-30. Review status: criteria provided, single submitter. Criteria: Ambry Variant Classification Scheme 2023. Collection method: clinical testing. Allele origin: germline.
Comment: The c.4595_4597delTTG variant (also known as p.V1532del) is located in coding exon 13 of the BRCA1 gene. This variant results from an in-frame TTG deletion at nucleotide positions 4595 to 4597. This results in the in-frame deletion of a valine at codon 1532. This amino acid position is not well conserved in available vertebrate species. In addition, this alteration is predicted to be neutral by in silico analysis (Choi Y et al. PLoS ONE. 2012; 7(10):e46688). Since supporting evidence is limited at this time, the clinical significance of this alteration remains unclear.